The following is an entry in ClinVar:

NM_025215.6(PUS1):c.544+6C>T

Gene: PUS1 (pseudouridine synthase 1; plus strand). Cytogenetic location: 12q24.33.
Variant type: single nucleotide variant.
Coding change: c.544+6C>T on transcript NM_025215.6 (MANE Select); 6 bases into the intron after coding-DNA position 544, C replaced by T.
Molecular consequence: intron variant.
Genome position (GRCh38, 1-based): chr12:131,939,281, C>T. VCF-style: chr12-131939281-C-T. GRCh37 (hg19) VCF-style: chr12-132423826-C-T.
Other names: c.460+6C>T (NM_001002019.3, NM_001002020.3); c.544+6C>T (NM_025215.5).
Identifiers: ClinVar variation 2140470 (VCV002140470.3), dbSNP rs570455002, ClinGen allele CA6884159.

ClinVar aggregate classification (germline): Uncertain significance. Review status: criteria provided, single submitter (1 of 4 stars). 2 submissions from 2 submitters: Uncertain significance (1). 1 of the submissions does not count toward it. Last evaluated 2022-03-10.

Conditions:
PUS1-related disorder. Also called: PUS1-related condition.

Allele frequency attached by ClinVar (database versions not stated): gnomAD 0.00004; ExAC 0.00017; 1000 Genomes Project 30x 0.00031; 1000 Genomes Project 0.00060.
gnomAD v4.1: 100 of 1,537,794 alleles (0.0065%); highest among the groups gnomAD compares: South Asian, 0.11%; no homozygotes.

Submissions (2):

Labcorp Genetics (formerly Invitae), Labcorp
Classification: Uncertain significance. Last evaluated: 2022-03-10. Review status: criteria provided, single submitter. Criteria: Invitae Variant Classification Sherloc (09022015). Collection method: clinical testing. Allele origin: germline.
Comment: This sequence change falls in intron 4 of the PUS1 gene. It does not directly change the encoded amino acid sequence of the PUS1 protein. It affects a nucleotide within the consensus splice site. This variant is present in population databases (rs570455002, gnomAD 0.1%). This variant has not been reported in the literature in individuals affected with PUS1-related conditions. Variants that disrupt the consensus splice site are a relatively common cause of aberrant splicing (PMID: 17576681, 9536098). Algorithms developed to predict the effect of sequence changes on RNA splicing suggest that this variant is not likely to affect RNA splicing. In summary, the available evidence is currently insufficient to determine the role of this variant in disease. Therefore, it has been classified as a Variant of Uncertain Significance.

PreventionGenetics, part of Exact Sciences
Classification: Likely benign for PUS1-related condition. Last evaluated: 2019-11-16. Review status: no assertion criteria provided. Collection method: clinical testing. Allele origin: germline. Not counted in ClinVar's aggregate classification.
Comment: This variant is classified as likely benign based on ACMG/AMP sequence variant interpretation guidelines (Richards et al. 2015 PMID: 25741868, with internal and published modifications).

Literature cited by the submitters: PubMed 17576681 (cited by Labcorp Genetics (formerly Invitae), Labcorp); PubMed 9536098 (cited by Labcorp Genetics (formerly Invitae), Labcorp).